The following is an entry in ClinVar:

ClinVar aggregate classification (germline): Uncertain significance (1 of 4 stars; one submission).

Submission:

GeneDx
Classification: Uncertain significance. Last evaluated: 2022-02-25. Review status: criteria provided, single submitter. Criteria: GeneDx Variant Classification Process June 2021. Collection method: clinical testing. Allele origin: germline. Affected: yes.
Comment: Has not been previously published as pathogenic or benign to our knowledge; Not observed at significant frequency in large population cohorts (gnomAD); In silico analysis supports that this missense variant does not alter protein structure/function

NM_000937.5(POLR2A):c.832C>T (p.His278Tyr)

Gene: POLR2A (RNA polymerase II subunit A; plus strand). Cytogenetic location: 17p13.1.
Variant type: single nucleotide variant.
Coding change: c.832C>T on transcript NM_000937.5 (MANE Select); coding-DNA position 832, C replaced by T.
Protein change: p.His278Tyr; replaces histidine 278 with tyrosine.
Molecular consequence: missense variant.
Genome position (GRCh38, 1-based): chr17:7,497,368, C>T. VCF-style: chr17-7497368-C-T. GRCh37 (hg19) VCF-style: chr17-7400687-C-T.
Other names: short protein forms H278Y.
Identifiers: ClinVar variation 1703317 (VCV001703317.2), dbSNP rs2508110454, ClinGen allele CA397865298.
Genomic context (GRCh38, chr17:7,497,368, plus strand): 5'-CGCTGGCAGTGGTGGCTGGACCATGATGATTCTGACTTCCTGCCTCAGGATGACCTGACT[C>T]ACAAACTGGCTGACATCGTGAAGATCAACAATCAGCTGCGGCGCAATGAGCAGAACGGCG-3'
Protein context (NP_000928.1, residues 268-288): GSARNQDDLT[His278Tyr]KLADIVKINN